The following is an entry in ClinVar:

ClinVar aggregate classification (germline): Uncertain significance (1 of 4 stars; one submission).

Conditions:
Nemaline myopathy 2 (NEM2). Also called: Nemaline myopathy 2, autosomal recessive. Identifiers: MedGen C1850569, MONDO:0009725, OMIM 256030.

Allele frequency attached by ClinVar (database versions not stated): gnomAD exomes 0.00002.
gnomAD v4.1: 25 of 1,586,196 alleles (0.0016%); highest among the groups gnomAD compares: Non-Finnish European, 0.0021%; no homozygotes.

Submission:

Labcorp Genetics (formerly Invitae), Labcorp
Classification: Uncertain significance for Nemaline myopathy 2. Last evaluated: 2022-07-06. Review status: criteria provided, single submitter. Criteria: Invitae Variant Classification Sherloc (09022015). Collection method: clinical testing. Allele origin: germline.
Comment: This sequence change affects codon 737 of the NEB mRNA. It is a 'silent' change, meaning that it does not change the encoded amino acid sequence of the NEB protein. It affects a nucleotide within the consensus splice site. The frequency data for this variant in the population databases is considered unreliable, as metrics indicate poor data quality at this position in the gnomAD database. This variant has not been reported in the literature in individuals affected with NEB-related conditions. ClinVar contains an entry for this variant (Variation ID: 1054039). Algorithms developed to predict the effect of sequence changes on RNA splicing suggest that this variant is not likely to affect RNA splicing. In summary, the available evidence is currently insufficient to determine the role of this variant in disease. Therefore, it has been classified as a Variant of Uncertain Significance.

NM_001164508.2(NEB):c.2211T>C (p.Asp737=)

Gene: NEB (nebulin; minus strand). Cytogenetic location: 2q23.3.
Variant type: single nucleotide variant.
Coding change: c.2211T>C on transcript NM_001164508.2 (MANE Select); coding-DNA position 2211, T replaced by C.
Protein change: p.Asp737=; no amino-acid change (aspartic acid 737 retained).
Molecular consequence: synonymous variant.
Genome position (GRCh38, 1-based): chr2:151,691,864, A>G on the plus strand (T>C on the coding strand, the complement: NEB is on the minus strand). VCF-style: chr2-151691864-A-G. GRCh37 (hg19) VCF-style: chr2-152548378-A-G.
Other names: c.2211T>C, p.Asp737= (NM_001164507.2, NM_001271208.2, NM_004543.5).
Identifiers: ClinVar variation 1054039 (VCV001054039.2), dbSNP rs765620977, ClinGen allele CA429244239.